The following is an entry in ClinVar:

ClinVar aggregate classification (germline): Pathogenic/Likely pathogenic. Review status: criteria provided, multiple submitters, no conflicts (2 of 4 stars). 2 submissions from 2 submitters: Pathogenic (1); Likely pathogenic (1). Last evaluated 2022-02-05.

Conditions:
Charcot-Marie-Tooth disease, type I (CMT1). Also called: Charcot-Marie-Tooth, Type 1; Charcot-Marie-Tooth disease type 1. Identifiers: Orphanet 65753, MedGen C0751036, MONDO:0019011.

Submissions (2):

Labcorp Genetics (formerly Invitae), Labcorp
Classification: Pathogenic for Charcot-Marie-Tooth disease, type I. Last evaluated: 2022-02-05. Review status: criteria provided, single submitter. Criteria: Invitae Variant Classification Sherloc (09022015). Collection method: clinical testing. Allele origin: germline.
Comment: For these reasons, this variant has been classified as Pathogenic. Studies have shown that this variant results in activation of a cryptic splice site and introduces a premature termination codon (PMID: 27344971). The resulting mRNA is expected to undergo nonsense-mediated decay. ClinVar contains an entry for this variant (Variation ID: 430241). This variant has been observed in individuals with with mild demyelinating sensory-motor CMT polyneuropathy (PMID: 27344971). It has also been observed to segregate with disease in related individuals. This variant is not present in population databases (gnomAD no frequency). This sequence change affects codon 103 of the MPZ mRNA. It is a 'silent' change, meaning that it does not change the encoded amino acid sequence of the MPZ protein. RNA analysis indicates that this variant induces altered splicing and may result in an absent or disrupted protein product.

GeneDx
Classification: Likely pathogenic. Last evaluated: 2017-05-18. Review status: criteria provided, single submitter. Criteria: GeneDx Variant Classification (06012015). Collection method: clinical testing. Allele origin: germline. Affected: yes.
Comment: A variant that is likely pathogenic has been identified in the MPZ gene. The c.309 G>T variant has been reported previously in multiple individuals with mild sensory-motor neuropathy from two unrelated families (Corrado et al., 2016). The c. 309G>T variant is not observed in large population cohorts (Lek et al., 2016; 1000 Genomes Consortium et al., 2015; Exome Variant Server). Several in-silico splice prediction models predict that c.309 G>T creates a cryptic donor site which may supplant the natural donor site and lead to abnormal gene splicing. Functional studies suggest the c.309 G>T variant results in an increase of an alternative MPZ transcript (Corrado et al., 2016). However, this variant occurs at a position that is not conserved. Therefore, this variant is likely pathogenic; however, the possibility that it is benign cannot be excluded.

Literature cited by the submitters: PubMed 27344971 (cited by Labcorp Genetics (formerly Invitae), Labcorp).

NM_000530.8(MPZ):c.309G>T (p.Gly103=)

Gene: MPZ (myelin protein zero; minus strand). Cytogenetic location: 1q23.3.
Variant type: single nucleotide variant.
Coding change: c.309G>T on transcript NM_000530.8 (MANE Select); coding-DNA position 309, G replaced by T.
Protein change: p.Gly103=; no amino-acid change (glycine 103 retained).
Molecular consequence: synonymous variant.
Genome position (GRCh38, 1-based): chr1:161,306,847, C>A on the plus strand (G>T on the coding strand, the complement: MPZ is on the minus strand). VCF-style: chr1-161306847-C-A. GRCh37 (hg19) VCF-style: chr1-161276637-C-A.
Other names: c.309G>T (LRG_256t1); c.309G>T, p.Gly103= (NM_001315491.2).
Identifiers: ClinVar variation 430241 (VCV000430241.11), dbSNP rs1131691852, ClinGen allele CA421405234.